The following is an entry in ClinVar:

NM_005045.4(RELN):c.10102G>A (p.Gly3368Arg)

Genes: RELN (reelin; minus strand), SLC26A5-AS1 (SLC26A5 antisense RNA 1; plus strand). Cytogenetic location: 7q22.1.
Variant type: single nucleotide variant.
Coding change: c.10102G>A on transcript NM_005045.4 (MANE Select); coding-DNA position 10102, G replaced by A.
Protein change: p.Gly3368Arg; replaces glycine 3368 with arginine.
Molecular consequence: missense variant.
Genome position (GRCh38, 1-based): chr7:103,483,732, C>T on the plus strand (G>A on the coding strand, the complement: RELN is on the minus strand). VCF-style: chr7-103483732-C-T. GRCh37 (hg19) VCF-style: chr7-103124179-C-T.
Other names: c.10102G>A, p.Gly3368Arg (NM_173054.3); short protein forms G3368R.
Identifiers: ClinVar variation 475945 (VCV000475945.10), dbSNP rs753769576, ClinGen allele CA4420051.

ClinVar aggregate classification (germline): Conflicting classifications of pathogenicity. Review status: criteria provided, conflicting classifications (1 of 4 stars). 3 submissions from 3 submitters: Uncertain significance (2); Likely benign (1). Last evaluated 2025-09-28.

Conditions:
Norman-Roberts syndrome (LIS2). Also called: Lissencephaly 2 (Norman-Roberts type). Identifiers: Orphanet 89844, MedGen C0796089, MONDO:0009760, OMIM 257320.
Familial temporal lobe epilepsy 7. Identifiers: Orphanet 101046, MedGen C4225327, MONDO:0014639, OMIM 616436.

Allele frequency attached by ClinVar (database versions not stated): gnomAD exomes 0.00002 and 0.00006; ExAC 0.00003; gnomAD 0.00004 and 0.00005; TOPMed 0.00005.
gnomAD v4.1: 44 of 1,614,014 alleles (0.0027%); highest among the groups gnomAD compares: Middle Eastern, 0.016%; no homozygotes.

Submissions (3):

Labcorp Genetics (formerly Invitae), Labcorp
Classification: Likely benign for Familial temporal lobe epilepsy 7; Norman-Roberts syndrome. Last evaluated: 2025-09-28. Review status: criteria provided, single submitter. Criteria: Invitae Variant Classification Sherloc (09022015). Collection method: clinical testing. Allele origin: germline.

Women's Health and Genetics/Laboratory Corporation of America, LabCorp
Classification: Uncertain significance. Last evaluated: 2022-08-12. Review status: criteria provided, single submitter. Criteria: LabCorp Variant Classification Summary - May 2015. Collection method: clinical testing. Allele origin: germline.
Comment: Variant summary: RELN c.10102G>A (p.Gly3368Arg) results in a non-conservative amino acid change in the encoded protein sequence. Three of four in-silico tools predict a damaging effect of the variant on protein function. The variant allele was found at a frequency of 5.7e-05 in 282574 control chromosomes (gnomAD). To our knowledge, no occurrence of c.10102G>A in individuals affected with Epilepsy Familial Temporal Lobe 7 and no experimental evidence demonstrating its impact on protein function have been reported. One clinical diagnostic laboratory has submitted clinical-significance assessments for this variant to ClinVar after 2014 without evidence for independent evaluation and classified the variant as uncertain significance. Based on the evidence outlined above, the variant was classified as uncertain significance.

Breakthrough Genomics
Classification: Uncertain significance. Review status: criteria provided, single submitter. Criteria: ACMG Guidelines, 2015. Collection method: not provided. Allele origin: germline. Inheritance: Autosomal recessive inheritance. Affected: yes.